The following is an entry in ClinVar:

NM_006005.3(WFS1):c.975C>T (p.Asn325=)

Gene: WFS1 (wolframin ER transmembrane glycoprotein; plus strand). Cytogenetic location: 4p16.1.
Variant type: single nucleotide variant.
Coding change: c.975C>T on transcript NM_006005.3 (MANE Select); coding-DNA position 975, C replaced by T.
Protein change: p.Asn325=; no amino-acid change (asparagine 325 retained).
Molecular consequence: synonymous variant.
Genome position (GRCh38, 1-based): chr4:6,300,770, C>T. VCF-style: chr4-6300770-C-T. GRCh37 (hg19) VCF-style: chr4-6302497-C-T.
Other names: c.975C>T, p.Asn325= (NM_001145853.1).
Identifiers: ClinVar variation 287845 (VCV000287845.17), dbSNP rs141177727, ClinGen allele CA2839177.

ClinVar aggregate classification (germline): Conflicting classifications of pathogenicity. Review status: criteria provided, conflicting classifications (1 of 4 stars). 5 submissions from 5 submitters: Uncertain significance (1); Benign (1); Likely benign (3). Last evaluated 2025-06-12.

Conditions:
Wolfram syndrome 1 (WFS1). Identifiers: Orphanet 3463, MedGen C4551693, MONDO:0009101, OMIM 222300.

Allele frequency attached by ClinVar (database versions not stated): ExAC 0.00015; ESP Exome Variant Server 0.00015; TOPMed 0.00015; 1000 Genomes Project 30x 0.00016; gnomAD 0.00017 and 0.00021; 1000 Genomes Project 0.00020.
gnomAD v4.1: 299 of 1,614,080 alleles (0.019%); highest among the groups gnomAD compares: South Asian, 0.037%; no homozygotes.

Submissions (5):

Labcorp Genetics (formerly Invitae), Labcorp
Classification: Likely benign. Last evaluated: 2025-06-12. Review status: criteria provided, single submitter. Criteria: Invitae Variant Classification Sherloc (09022015). Collection method: clinical testing. Allele origin: germline.

Blueprint Genetics
Classification: Likely benign. Last evaluated: 2023-12-22. Review status: criteria provided, single submitter. Criteria: ACMG Guidelines, 2015. Collection method: clinical testing. Allele origin: germline.

GeneDx
Classification: Likely benign. Last evaluated: 2016-11-02. Review status: criteria provided, single submitter. Criteria: GeneDx Variant Classification (06012015). Collection method: clinical testing. Allele origin: germline. Affected: yes.
Comment: This variant is considered likely benign or benign based on one or more of the following criteria: it is a conservative change, it occurs at a poorly conserved position in the protein, it is predicted to be benign by multiple in silico algorithms, and/or has population frequency not consistent with disease.

Eurofins Ntd Llc (ga)
Classification: Uncertain significance. Last evaluated: 2016-06-07. Review status: criteria provided, single submitter. Criteria: EGL Classification Definitions 2015. Collection method: clinical testing. Allele origin: germline. Observed: 1 variant allele, 1 heterozygote.

Clinical Genomics, Uppaluri K&H Personalized Medicine Clinic
Classification: Benign for Wolfram syndrome 1. Review status: criteria provided, single submitter. Criteria: K & H Uppaluri Personalized Medicine Clinic Variant Classification & Assertion Criteria_Updated V.1. Collection method: research. Allele origin: unknown. Inheritance: Autosomal recessive inheritance.
Comment: Potent mutations in WFS1 gene are associated with Wolfram's syndrome, an autosomal recessive condition, which cause diabetes mellitus, diabetes insipidus, deafness and optic atrophy. However no sufficient evidence is found to ascertain the role of this particular variant rs141177727 in Wolfram's syndrome yet.

Literature cited by the submitters: PubMed 20738327 (cited by Clinical Genomics, Uppaluri K&H Personalized Medicine Clinic); PubMed 33879153 (cited by Clinical Genomics, Uppaluri K&H Personalized Medicine Clinic); PubMed 12955714 (cited by Clinical Genomics, Uppaluri K&H Personalized Medicine Clinic); PubMed 18060660 (cited by Clinical Genomics, Uppaluri K&H Personalized Medicine Clinic); PubMed 20301750 (cited by Clinical Genomics, Uppaluri K&H Personalized Medicine Clinic); PubMed 17603484 (cited by Clinical Genomics, Uppaluri K&H Personalized Medicine Clinic).